The following is an entry in ClinVar:

NM_199420.4(POLQ):c.3870A>C (p.Arg1290Ser)

Gene: POLQ (DNA polymerase theta; minus strand). Cytogenetic location: 3q13.33.
Variant type: single nucleotide variant.
Coding change: c.3870A>C on transcript NM_199420.4 (MANE Select); coding-DNA position 3870, A replaced by C.
Protein change: p.Arg1290Ser; replaces arginine 1290 with serine.
Molecular consequence: missense variant.
Genome position (GRCh38, 1-based): chr3:121,489,061, T>G on the plus strand (A>C on the coding strand, the complement: POLQ is on the minus strand). VCF-style: chr3-121489061-T-G. GRCh37 (hg19) VCF-style: chr3-121207908-T-G.
Other names: short protein forms R1290S.
Identifiers: ClinVar variation 1735700 (VCV001735700.2), dbSNP rs756108495, ClinGen allele CA2562996.

ClinVar aggregate classification (germline): Uncertain significance (1 of 4 stars; one submission).

Allele frequency attached by ClinVar (database versions not stated): ExAC 0.00001; gnomAD exomes 0.00001.
gnomAD v4.1: 8 of 1,613,406 alleles (0.0005%); highest among the groups gnomAD compares: South Asian, 0.0088%; no homozygotes.

Submission:

Ambry Genetics
Classification: Uncertain significance. Last evaluated: 2022-10-22. Review status: criteria provided, single submitter. Criteria: Ambry Variant Classification Scheme 2023. Collection method: clinical testing. Allele origin: germline.
Comment: The p.R1290S variant (also known as c.3870A>C), located in coding exon 16 of the POLQ gene, results from an A to C substitution at nucleotide position 3870. The arginine at codon 1290 is replaced by serine, an amino acid with dissimilar properties. This amino acid position is conserved. In addition, this alteration is predicted to be tolerated by in silico analysis. Since supporting evidence is limited at this time, the clinical significance of this alteration remains unclear.